The following is an entry in ClinVar:

NM_000535.7(PMS2):c.1624A>C (p.Thr542Pro)

Gene: PMS2 (PMS1 homolog 2, mismatch repair system component; minus strand). Cytogenetic location: 7p22.1.
Variant type: single nucleotide variant.
Coding change: c.1624A>C on transcript NM_000535.7 (MANE Select); coding-DNA position 1624, A replaced by C.
Protein change: p.Thr542Pro; replaces threonine 542 with proline.
Molecular consequence: missense variant. On other transcripts: non-coding transcript variant (1).
Genome position (GRCh38, 1-based): chr7:5,987,141, T>G on the plus strand (A>C on the coding strand, the complement: PMS2 is on the minus strand). VCF-style: chr7-5987141-T-G. GRCh37 (hg19) VCF-style: chr7-6026772-T-G.
Other names: c.1624A>C (NM_000535.6); c.1219A>C, p.Thr407Pro (NM_001322003.2, NM_001322004.2, NM_001322005.2 and 1 more transcripts); c.1468A>C, p.Thr490Pro (NM_001322006.2); c.1306A>C, p.Thr436Pro (NM_001322007.2, NM_001322008.2); c.1063A>C, p.Thr355Pro (NM_001322010.2); c.691A>C, p.Thr231Pro (NM_001322011.2, NM_001322012.2); c.1051A>C, p.Thr351Pro (NM_001322013.2); c.1624A>C, p.Thr542Pro (NM_001322014.2); and 1 more; short protein forms T231P, T351P, T355P, T407P, T436P, T439P, T490P, T542P.
Identifiers: ClinVar variation 1318589 (VCV001318589.12), dbSNP rs1425816147, ClinGen allele CA366741459.

ClinVar aggregate classification (germline): Conflicting classifications of pathogenicity. Review status: criteria provided, conflicting classifications (1 of 4 stars). 5 submissions from 5 submitters: Uncertain significance (3); Benign (1); Likely benign (1). Last evaluated 2025-06-18.

Conditions:
Hereditary nonpolyposis colorectal neoplasms. Identifiers: MedGen C0009405, MeSH D003123.
Hereditary cancer-predisposing syndrome. Also called: Hereditary neoplastic syndrome; Neoplastic Syndromes, Hereditary; Tumor predisposition; Hereditary Cancer Syndrome. Identifiers: Orphanet 140162, MedGen C0027672, MeSH D009386, MONDO:0015356.
Ovarian cancer. Also called: OVARIAN CANCER, SOMATIC. Identifiers: Orphanet 213500, MedGen C1140680, MONDO:0008170, OMIM 167000.
Lynch syndrome. Identifiers: Orphanet 144, MedGen C4552100, MONDO:0005835. Disease mechanism: loss of function.

Allele frequency attached by ClinVar (database versions not stated): gnomAD 0.00001; gnomAD exomes 0.00001 and 0.00002; TOPMed 0.00001.

Submissions (5):

Labcorp Genetics (formerly Invitae), Labcorp
Classification: Uncertain significance for Hereditary nonpolyposis colorectal neoplasms. Last evaluated: 2025-06-18. Review status: criteria provided, single submitter. Criteria: Invitae Variant Classification Sherloc (09022015). Collection method: clinical testing. Allele origin: germline.
Comment: This sequence change replaces threonine, which is neutral and polar, with proline, which is neutral and non-polar, at codon 542 of the PMS2 protein (p.Thr542Pro). This variant is present in population databases (no rsID available, gnomAD 0.03%). This variant has not been reported in the literature in individuals affected with PMS2-related conditions. ClinVar contains an entry for this variant (Variation ID: 1318589). Invitae Evidence Modeling incorporating data from in vitro experimental studies (internal data) indicates that this missense variant is not expected to disrupt PMS2 function with a negative predictive value of 95%. In summary, the available evidence is currently insufficient to determine the role of this variant in disease. Therefore, it has been classified as a Variant of Uncertain Significance.

Ambry Genetics
Classification: Likely benign for Hereditary cancer-predisposing syndrome. Last evaluated: 2025-05-27. Review status: criteria provided, single submitter. Criteria: Ambry Variant Classification Scheme 2023. Collection method: clinical testing. Allele origin: germline.

All of Us Research Program, National Institutes of Health
Classification: Uncertain significance for Lynch syndrome. Last evaluated: 2023-07-10. Review status: criteria provided, single submitter. Criteria: ACMG Guidelines, 2015. Collection method: clinical testing. Allele origin: germline. Inheritance: Autosomal dominant inheritance. Observed: 1 variant allele, 1 heterozygote.
Comment: This missense variant replaces threonine with proline at codon 542 of the PMS2 protein. Computational prediction suggests that this variant may not impact protein structure and function (internally defined REVEL score threshold <= 0.5, PMID: 27666373). To our knowledge, functional studies have not been reported for this variant. This variant has not been reported in an individual affected with heriditary breast or ovarian cancer (PMID: 31742824). This variant has been identified in 5/282208 chromosomes in the general population by the Genome Aggregation Database (gnomAD). The available evidence is insufficient to determine the role of this variant in disease conclusively. Therefore, this variant is classified as a Variant of Uncertain Significance.

This study involves interpretation of variants in research participants for the purpose of population health screening. Participant phenotype was not available at the time of variant classification. Additional details can be found in publication PMID: 35346344, PMCID: PMC8962531

Laboratory of Molecular Epidemiology of Birth Defects, West China Second University Hospital, Sichuan University
Classification: Benign for Ovarian cancer. Last evaluated: 2022-01-01. Review status: criteria provided, single submitter. Criteria: ACMG Guidelines, 2015. Collection method: clinical testing. Allele origin: germline. Affected: yes.

GeneDx
Classification: Uncertain significance. Last evaluated: 2019-12-04. Review status: criteria provided, single submitter. Criteria: GeneDx Variant Classification Process June 2021. Collection method: clinical testing. Allele origin: germline. Affected: yes.
Comment: In silico analysis, which includes protein predictors and evolutionary conservation, supports that this variant does not alter protein structure/function; Has not been previously published as pathogenic or benign to our knowledge

Literature cited by the submitters: PubMed 31742824 (cited by Ambry Genetics and All of Us Research Program, National Institutes of Health).